The following is an entry in ClinVar:

ClinVar aggregate classification (germline): Benign. Review status: criteria provided, multiple submitters, no conflicts (2 of 4 stars). 2 submissions from 2 submitters: Benign (2). Last evaluated 2018-06-14.

Allele frequency attached by ClinVar (database versions not stated): TOPMed 0.92302; gnomAD 0.92308 and 0.92365; 1000 Genomes Project 0.94289; 1000 Genomes Project 30x 0.94394.
gnomAD v4.1: 798,370 of 872,272 alleles (92%); highest among the groups gnomAD compares: East Asian, 100%; 365,817 homozygotes.

Submissions (2):

GeneDx
Classification: Benign. Last evaluated: 2018-06-14. Review status: criteria provided, single submitter. Criteria: GeneDx Variant Classification (06012015). Collection method: clinical testing. Allele origin: germline. Affected: yes.
Comment: This variant is considered likely benign or benign based on one or more of the following criteria: it is a conservative change, it occurs at a poorly conserved position in the protein, it is predicted to be benign by multiple in silico algorithms, and/or has population frequency not consistent with disease.

Breakthrough Genomics
Classification: Benign. Review status: criteria provided, single submitter. Criteria: ACMG Guidelines, 2015. Collection method: not provided. Allele origin: germline. Inheritance: Autosomal dominant inheritance. Affected: yes.

NM_000138.5(FBN1):c.248-103T>C

Gene: FBN1 (fibrillin 1; minus strand). Cytogenetic location: 15q21.1.
Variant type: single nucleotide variant.
Coding change: c.248-103T>C on transcript NM_000138.5 (MANE Select); 103 bases into the intron before coding-DNA position 248, T replaced by C.
Molecular consequence: intron variant.
Genome position (GRCh38, 1-based): chr15:48,610,929, A>G on the plus strand (T>C on the coding strand, the complement: FBN1 is on the minus strand). VCF-style: chr15-48610929-A-G. GRCh37 (hg19) VCF-style: chr15-48903126-A-G.
Identifiers: ClinVar variation 672311 (VCV000672311.2), dbSNP rs1018148, ClinGen allele CA14131428.